The following is an entry in ClinVar:

NM_000400.4(ERCC2):c.783_815+12del

Gene: ERCC2 (ERCC excision repair 2, TFIIH core complex helicase subunit; minus strand). Cytogenetic location: 19q13.32.
Variant type: Deletion.
Coding change: c.783_815+12del on transcript NM_000400.4 (MANE Select); coding-DNA position 783 through 12 bases into the intron after coding-DNA position 815, 45 bases deleted.
Molecular consequence: splice donor variant.
Genome position (GRCh38, 1-based): chr19:45,364,223-45,364,267, 45 bases deleted; deleting any 45 consecutive bases within chr19:45,364,223-45,364,270 gives the same sequence; the c. name uses the placement nearest the transcript's 3' end. GRCh37 (hg19): chr19:45,867,484-45,867,528.
Other names: c.660_692+12del (NM_001440357.1); c.705_737+12del (NM_001440356.1); c.711_743+12del (NM_001440355.1, NM_001130867.2).
Identifiers: ClinVar variation 4294477 (VCV004294477.1).

ClinVar aggregate classification (germline): Pathogenic (1 of 4 stars; one submission).

Conditions:
Cerebrooculofacioskeletal syndrome 2 (COFS2). Identifiers: MedGen C1853102, MONDO:0012553, OMIM 610756.
Xeroderma pigmentosum, group D (XPD). Also called: ERCC2-Related Xeroderma Pigmentosum; XERODERMA PIGMENTOSUM, COMPLEMENTATION GROUP D; XERODERMA PIGMENTOSUM IV; XP, GROUP D; XP, GROUP H. Identifiers: MedGen C0268138, MONDO:0010212, OMIM 278730.

Submission:

Molecular Genetics Department, Kulakov National Medical Research Center for Obstetrics, Gynecology and Perinatology
Classification: Pathogenic for Xeroderma pigmentosum, group D; Cerebrooculofacioskeletal syndrome 2. Review status: criteria provided, single submitter. Criteria: ACMG Guidelines, 2015. Collection method: clinical testing. Allele origin: germline. Affected: yes. Observed: 1 variant allele.
Comment: A previously undescribed heterozygous nucleotide variant creates an alteration of the canonical splice site c.783_815+9del in the ERCC2 gene. Homozygous and compound heterozygous variants are reported in patients with ?Cerebrooculofacioskeletal syndrome 2, 610756; Xeroderma pigmentosum, group d, 278730. The variant is not present in population database (gnomAD no frequency). The variant was found in trans with the ERCC2 variant (NM_000400.4:c.139G>A). In summary, this variant has been classified as pathogenic.